The following is an entry in ClinVar:

NM_001134407.3(GRIN2A):c.1594G>A (p.Gly532Arg)

Gene: GRIN2A (glutamate ionotropic receptor NMDA type subunit 2A; minus strand). Cytogenetic location: 16p13.2.
Variant type: single nucleotide variant.
Coding change: c.1594G>A on transcript NM_001134407.3 (MANE Select); coding-DNA position 1594, G replaced by A.
Protein change: p.Gly532Arg; replaces glycine 532 with arginine.
Molecular consequence: missense variant.
Genome position (GRCh38, 1-based): chr16:9,840,704, C>T on the plus strand (G>A on the coding strand, the complement: GRIN2A is on the minus strand). VCF-style: chr16-9840704-C-T. GRCh37 (hg19) VCF-style: chr16-9934561-C-T.
Other names: c.1594G>A, p.Gly532Arg (NM_000833.5, NM_001134408.2); short protein forms G532R.
Identifiers: ClinVar variation 4529546 (VCV004529546.2).

ClinVar aggregate classification (germline): Likely pathogenic (1 of 4 stars; one submission).

Submission:

GeneDx
Classification: Likely pathogenic. Last evaluated: 2026-09-02. Review status: criteria provided, single submitter. Criteria: GeneDx Variant Classification Process June 2021. Collection method: clinical testing. Allele origin: germline.
Comment: Not observed at significant frequency in large population cohorts (gnomAD); In silico analysis supports that this missense variant has a deleterious effect on protein structure/function; Has not been previously published as pathogenic or benign to our knowledge; This variant is associated with the following publications: (PMID: 27839871)